The following is an entry in ClinVar:

NM_001165963.4(SCN1A):c.4002+2261A>G

Genes: SCN1A (sodium voltage-gated channel alpha subunit 1; minus strand), LOC102724058 (uncharacterized LOC102724058; plus strand). Cytogenetic location: 2q24.3.
Variant type: single nucleotide variant.
Coding change: c.4002+2261A>G on transcript NM_001165963.4 (MANE Select); 2261 bases into the intron after coding-DNA position 4002, A replaced by G.
Molecular consequence: intron variant.
Genome position (GRCh38, 1-based): chr2:166,007,458, T>C on the plus strand (A>G on the coding strand, the complement: SCN1A is on the minus strand). VCF-style: chr2-166007458-T-C. GRCh37 (hg19) VCF-style: chr2-166863968-T-C.
Other names: c.3969+2261A>G (NM_001353949.2, NM_001353950.2, NM_001353951.2 and 2 more transcripts); c.3918+2261A>G (NM_001353958.2, NM_001353957.2, NM_001165964.3); c.4002+2261A>G (NM_001202435.3, NM_001353948.2); c.3966+2261A>G (NM_001353955.2, NM_001353954.2); c.3915+2261A>G (NM_001353960.2); c.1560+2261A>G (NM_001353961.2).
Identifiers: ClinVar variation 2817633 (VCV002817633.3), dbSNP rs539758485, ClinGen allele CA2739271479.

ClinVar aggregate classification (germline): Uncertain significance (1 of 4 stars; one submission).

Conditions:
Early-infantile DEE. Also called: Early infantile epileptic encephalopathy; Early infantile epileptic encephalopathy with suppression bursts; Ohtahara syndrome. Identifiers: Orphanet 1934, MedGen C0393706, MONDO:0800491.

Submission:

Labcorp Genetics (formerly Invitae), Labcorp
Classification: Uncertain significance for Early-infantile DEE. Last evaluated: 2024-05-15. Review status: criteria provided, single submitter. Criteria: Invitae Variant Classification Sherloc (09022015). Collection method: clinical testing. Allele origin: germline.
Comment: This sequence change falls in intron 20 of the SCN1A gene. It does not directly change the encoded amino acid sequence of the SCN1A protein. However, this sequence change falls within a region encompassing a cryptic exon in the SCN1A gene, in which variants have been shown to alter splicing (PMID: 30526861, 34107977). This variant is not present in population databases (gnomAD no frequency). This variant has been observed in individual(s) with clinical features of developmental and epileptic encephalopathy (Invitae). Algorithms developed to predict the effect of sequence changes on RNA splicing suggest that this variant is not likely to affect RNA splicing. In summary, the available evidence is currently insufficient to determine the role of this variant in disease. Therefore, it has been classified as a Variant of Uncertain Significance.

Literature cited by the submitters: PubMed 30526861; PubMed 34107977.